The following is an entry in ClinVar:

NM_022455.5(NSD1):c.2137dup (p.Met713fs)

Gene: NSD1 (nuclear receptor binding SET domain protein 1; plus strand). Cytogenetic location: 5q35.3.
Variant type: Duplication.
Coding change: c.2137dup on transcript NM_022455.5 (MANE Select); coding-DNA position 2137, one base duplicated (A; older notation c.2137dupA).
Protein change: p.Met713fs; shifts the reading frame from methionine 713.
Molecular consequence: frameshift variant.
Genome position (GRCh38, 1-based): chr5:177,210,536, A duplicated; the last of 2 consecutive A bases (chr5:177,210,535-177,210,536); duplicating either gives the same sequence. VCF-style (leftmost placement, unchanged base first): chr5-177210534-T-TA. GRCh37 (hg19) VCF-style: chr5-176637535-T-TA.
Other names: c.2137dupA (NM_022455.4); c.1264dup, p.Met422Asnfs (NM_001365684.2, NM_001409306.1, NM_001409307.1 and 3 more transcripts); c.2137dup, p.Met713Asnfs (NM_001409301.1, NM_001409302.1, NM_001409303.1); c.1717dup, p.Met573Asnfs (NM_001409304.1); c.1384dup, p.Met462Asnfs (NM_001409305.1); short protein forms M444fs, M713fs.
Identifiers: ClinVar variation 637041 (VCV000637041.2), dbSNP rs1581318949, ClinGen allele CA915942722.

ClinVar aggregate classification (germline): Pathogenic (1 of 4 stars; one submission).

Conditions:
Sotos syndrome (SOTOS). Also called: CHROMOSOME 5q35 DELETION SYNDROME; CEREBRAL GIGANTISM; Sotos' syndrome; SOTOS SYNDROME 1; Distinctive facial appearance, overgrowth in childhood, and learning disabilities or delayed development. Identifiers: Orphanet 821, MedGen C0175695, MONDO:0019349, OMIM 117550.

Submission:

Laboratory of Medical Genetics, National & Kapodistrian University of Athens
Classification: Pathogenic for Sotos syndrome. Last evaluated: 2018-05-24. Review status: criteria provided, single submitter. Criteria: ACMG Guidelines, 2015. Collection method: clinical testing. Allele origin: de novo. Affected: yes.
Comment: PVS1,PM1,PM2,PP2